The following is an entry in ClinVar:

ClinVar aggregate classification (germline): Uncertain significance (1 of 4 stars; one submission).

gnomAD v4.1: 347 of 1,613,654 alleles (0.022%); highest among the groups gnomAD compares: Non-Finnish European, 0.028%; no homozygotes.

Submission:

Clinical Genomics Laboratory, Washington University in St. Louis
Classification: Uncertain significance. Last evaluated: 2025-01-22. Review status: criteria provided, single submitter. Criteria: ACMG Guidelines, 2015. Collection method: clinical testing. Allele origin: germline.
Comment: The NLRC3 c.1271G>C (p.Gly424Ala) variant, to our knowledge, has not been reported in the medical literature. The highest population minor allele frequency in the population database genome aggregation database (v.2.1.1) is 0.0164% in the European non-Finnish population. Computational predictors are uncertain as to the impact of this variant on NLRC3 function. Due to limited information, the clinical significance of this variant is uncertain.

NM_178844.4(NLRC3):c.1271G>C (p.Gly424Ala)

Gene: NLRC3 (NLR family CARD domain containing 3; minus strand). Cytogenetic location: 16p13.3.
Variant type: single nucleotide variant.
Coding change: c.1271G>C on transcript NM_178844.4 (MANE Select); coding-DNA position 1271, G replaced by C.
Protein change: p.Gly424Ala; replaces glycine 424 with alanine.
Molecular consequence: missense variant. On other transcripts: non-coding transcript variant (1).
Genome position (GRCh38, 1-based): chr16:3,563,666, C>G on the plus strand (G>C on the coding strand, the complement: NLRC3 is on the minus strand). VCF-style: chr16-3563666-C-G. GRCh37 (hg19) VCF-style: chr16-3613667-C-G.
Other names: short protein forms G424A.
Identifiers: ClinVar variation 4279796 (VCV004279796.1).